The following is an entry in ClinVar:

ClinVar aggregate classification (germline): Likely benign (1 of 4 stars; one submission).

Conditions:
Pheochromocytoma/paraganglioma syndrome 5. Also called: Paragangliomas 5; SDHA-Related Hereditary Paraganglioma-Pheochromocytoma Syndrome. Identifiers: Orphanet 29072, MedGen C3279992, MONDO:0013602, OMIM 614165.

Submission:

Myriad Genetics, Inc.
Classification: Likely benign for Pheochromocytoma/paraganglioma syndrome 5. Last evaluated: 2025-02-28. Review status: criteria provided, single submitter. Criteria: Myriad Autosomal Dominant, Autosomal Recessive and X-Linked Classification Criteria (2023). Collection method: clinical testing. Allele origin: unknown.
Comment: This variant is considered likely benign. This variant is intronic and is not expected to impact mRNA splicing.

NM_004168.4(SDHA):c.64-19G>T

Gene: SDHA (succinate dehydrogenase complex flavoprotein subunit A; plus strand). Cytogenetic location: 5p15.33.
Variant type: single nucleotide variant.
Coding change: c.64-19G>T on transcript NM_004168.4 (MANE Select); 19 bases into the intron before coding-DNA position 64, G replaced by T.
Molecular consequence: intron variant.
Genome position (GRCh38, 1-based): chr5:223,463, G>T. VCF-style: chr5-223463-G-T. GRCh37 (hg19) VCF-style: chr5-223578-G-T.
Other names: c.64-19G>T (NM_001330758.2, NM_001294332.2).
Identifiers: ClinVar variation 3904387 (VCV003904387.1).